The following is an entry in ClinVar:

ClinVar aggregate classification (germline): Uncertain significance (1 of 4 stars; one submission).

Conditions:
Marfan syndrome (MFS). Also called: MARFAN SYNDROME, TYPE I; Marfan syndrome type 1; Marfan's syndrome; Marfan syndrome, classic; FBN1-Related Marfan Syndrome. Identifiers: Orphanet 284963, Orphanet 558, MedGen C0024796, MONDO:0007947, OMIM 154700.
Familial thoracic aortic aneurysm and aortic dissection (TAAD). Also called: Thoracic aortic aneurysms and dissections. Identifiers: Orphanet 91387, MedGen C4707243, MONDO:0019625.

gnomAD v4.1: 3 of 1,614,186 alleles (0.00019%); highest among the groups gnomAD compares: Non-Finnish European, 0.00025%; no homozygotes.

Submission:

Labcorp Genetics (formerly Invitae), Labcorp
Classification: Uncertain significance for Marfan syndrome; Familial thoracic aortic aneurysm and aortic dissection. Last evaluated: 2023-06-23. Review status: criteria provided, single submitter. Criteria: Invitae Variant Classification Sherloc (09022015). Collection method: clinical testing. Allele origin: germline.
Comment: In summary, the available evidence is currently insufficient to determine the role of this variant in disease. Therefore, it has been classified as a Variant of Uncertain Significance. Advanced modeling of protein sequence and biophysical properties (such as structural, functional, and spatial information, amino acid conservation, physicochemical variation, residue mobility, and thermodynamic stability) performed at Invitae indicates that this missense variant is expected to disrupt FBN1 protein function. This variant has not been reported in the literature in individuals affected with FBN1-related conditions. This variant is not present in population databases (gnomAD no frequency). This sequence change replaces asparagine, which is neutral and polar, with lysine, which is basic and polar, at codon 865 of the FBN1 protein (p.Asn865Lys).

NM_000138.5(FBN1):c.2595C>A (p.Asn865Lys)

Gene: FBN1 (fibrillin 1; minus strand). Cytogenetic location: 15q21.1.
Variant type: single nucleotide variant.
Coding change: c.2595C>A on transcript NM_000138.5 (MANE Select); coding-DNA position 2595, C replaced by A.
Protein change: p.Asn865Lys; replaces asparagine 865 with lysine.
Molecular consequence: missense variant.
Genome position (GRCh38, 1-based): chr15:48,495,205, G>T on the plus strand (C>A on the coding strand, the complement: FBN1 is on the minus strand). VCF-style: chr15-48495205-G-T. GRCh37 (hg19) VCF-style: chr15-48787402-G-T.
Other names: c.2595C>A, p.Asn865Lys (NM_001406716.1); short protein forms N865K.
Identifiers: ClinVar variation 2935379 (VCV002935379.3), dbSNP rs760420637, ClinGen allele CA392332625.